The following is an entry in ClinVar:

ClinVar aggregate classification (germline): Likely benign. Review status: criteria provided, multiple submitters, no conflicts (2 of 4 stars). 2 submissions from 2 submitters: Likely benign (2). Last evaluated 2024-11-05.

Conditions:
Episodic ataxia type 2 (EA2). Also called: ATAXIA, EPISODIC, WITH NYSTAGMUS; ATAXIA, FAMILIAL PAROXYSMAL; CEREBELLAR ATAXIA, PAROXYSMAL, ACETAZOLAMIDE-RESPONSIVE; CEREBELLOPATHY, HEREDITARY PAROXYSMAL; EPISODIC ATAXIA, NYSTAGMUS-ASSOCIATED; ACETAZOLAMIDE-RESPONSIVE HEREDITARY PAROXYSMAL CEREBELLAR ATAXIA. Identifiers: Orphanet 97, MedGen C1720416, MONDO:0007163, OMIM 108500.
Developmental and epileptic encephalopathy, 42 (DEE42A). Also called: DEVELOPMENTAL AND EPILEPTIC ENCEPHALOPATHY 42A; EPILEPTIC ENCEPHALOPATHY, EARLY INFANTILE, 42A; Epileptic encephalopathy, early infantile, 42. Identifiers: MedGen C4310716, MONDO:0014917, OMIM 617106.

Submissions (2):

Labcorp Genetics (formerly Invitae), Labcorp
Classification: Likely benign for Developmental and epileptic encephalopathy, 42; Episodic ataxia type 2. Last evaluated: 2024-11-05. Review status: criteria provided, single submitter. Criteria: Invitae Variant Classification Sherloc (09022015). Collection method: clinical testing. Allele origin: germline.

GeneDx
Classification: Likely benign. Last evaluated: 2018-03-02. Review status: criteria provided, single submitter. Criteria: GeneDx Variant Classification (06012015). Collection method: clinical testing. Allele origin: germline. Affected: yes.
Comment: This variant is considered likely benign or benign based on one or more of the following criteria: it is a conservative change, it occurs at a poorly conserved position in the protein, it is predicted to be benign by multiple in silico algorithms, and/or has population frequency not consistent with disease.

NM_001127222.2(CACNA1A):c.5031C>A (p.Ile1677=)

Gene: CACNA1A (calcium voltage-gated channel subunit alpha1 A; minus strand). Cytogenetic location: 19p13.13.
Variant type: single nucleotide variant.
Coding change: c.5031C>A on transcript NM_001127222.2 (MANE Select); coding-DNA position 5031, C replaced by A.
Protein change: p.Ile1677=; no amino-acid change (isoleucine 1677 retained).
Molecular consequence: synonymous variant.
Genome position (GRCh38, 1-based): chr19:13,235,650, G>T on the plus strand (C>A on the coding strand, the complement: CACNA1A is on the minus strand). VCF-style: chr19-13235650-G-T. GRCh37 (hg19) VCF-style: chr19-13346464-G-T.
Other names: c.5049C>A, p.Ile1683= (NM_000068.4, NM_023035.3); c.5034C>A, p.Ile1678= (NM_001127221.2); c.5040C>A, p.Ile1680= (NM_001174080.2).
Identifiers: ClinVar variation 515848 (VCV000515848.3), dbSNP rs1555738339, ClinGen allele CA505658767.
Genomic context (GRCh38, chr19:13,235,650, plus strand): 5'-CCAGCAGCAGGGACGAGGACTCACCTTGAAGGACTGCACAAAGGTCCAGAGAAGAATGCG[G>T]ATGGTGTAACCCTGACGGAGAAGTTTGATGAGCCGGGCAGCTCGGAAGAGGCGGAGAAAG-3'
Protein context (NP_001120694.1, residues 1667-1687): LIKLLRQGYT[Ile1677=]RILLWTFVQS